The following is an entry in ClinVar:

ClinVar aggregate classification (germline): Uncertain significance (1 of 4 stars; one submission).

Conditions:
Familial thoracic aortic aneurysm and aortic dissection (TAAD). Also called: Thoracic aortic aneurysms and dissections. Identifiers: Orphanet 91387, MedGen C4707243, MONDO:0019625.

Submission:

Ambry Genetics
Classification: Uncertain significance for Familial thoracic aortic aneurysm and aortic dissection. Last evaluated: 2020-03-05. Review status: criteria provided, single submitter. Criteria: Ambry Variant Classification Scheme 2023. Collection method: clinical testing. Allele origin: germline.
Comment: The p.Y506H variant (also known as c.1516T>C), located in coding exon 9 of the FLNA gene, results from a T to C substitution at nucleotide position 1516. The tyrosine at codon 506 is replaced by histidine, an amino acid with similar properties. This amino acid position is not well conserved in available vertebrate species, and histidine is the reference amino acid in other vertebrate species. In addition, this alteration is predicted to be tolerated by in silico analysis. Since supporting evidence is limited at this time, the clinical significance of this alteration remains unclear.

NM_001110556.2(FLNA):c.1516T>C (p.Tyr506His)

Gene: FLNA (filamin A; minus strand). Cytogenetic location: Xq28.
Variant type: single nucleotide variant.
Coding change: c.1516T>C on transcript NM_001110556.2 (MANE Select); coding-DNA position 1516, T replaced by C.
Protein change: p.Tyr506His; replaces tyrosine 506 with histidine.
Molecular consequence: missense variant.
Genome position (GRCh38, 1-based): chrX:154,365,400, A>G on the plus strand (T>C on the coding strand, the complement: FLNA is on the minus strand). VCF-style: chrX-154365400-A-G. GRCh37 (hg19) VCF-style: chrX-153593768-A-G.
Other names: c.1516T>C, p.Tyr506His (NM_001456.4); short protein forms Y506H.
Identifiers: ClinVar variation 1774327 (VCV001774327.2), dbSNP rs2522757701, ClinGen allele CA415243403.